The following is an entry in ClinVar:

ClinVar aggregate classification (germline): Pathogenic/Likely pathogenic. Review status: criteria provided, multiple submitters, no conflicts (2 of 4 stars). 2 submissions from 2 submitters: Pathogenic (1); Likely pathogenic (1). Last evaluated 2025-08-04.

Conditions:
Hereditary cancer-predisposing syndrome. Also called: Neoplastic Syndromes, Hereditary; Hereditary Cancer Syndrome; Hereditary neoplastic syndrome; Tumor predisposition. Identifiers: Orphanet 140162, MedGen C0027672, MeSH D009386, MONDO:0015356.
Cardiovascular phenotype. Identifiers: MedGen CN230736.
Neurofibromatosis, type 1 (NF1). Also called: Neurofibromatosis, type I; Peripheral type neurofibromatosis; VON RECKLINGHAUSEN DISEASE; NEUROFIBROMATOSIS, TYPE I, SOMATIC. Identifiers: Orphanet 636, MedGen C0027831, MONDO:0018975, OMIM 162200. Disease mechanism: loss of function.

Submissions (2):

Labcorp Genetics (formerly Invitae), Labcorp
Classification: Pathogenic for Neurofibromatosis, type 1. Last evaluated: 2025-08-04. Review status: criteria provided, single submitter. Criteria: Invitae Variant Classification Sherloc (09022015). Collection method: clinical testing. Allele origin: germline.
Comment: This sequence change affects a donor splice site in intron 32 of the NF1 gene. It is expected to disrupt RNA splicing. Variants that disrupt the donor or acceptor splice site typically lead to a loss of protein function (PMID: 16199547), and loss-of-function variants in NF1 are known to be pathogenic (PMID: 10712197, 23913538). This variant is not present in population databases (gnomAD no frequency). Disruption of this splice site has been observed in individuals with clinical features of neurofibromatosis type 1 (PMID: 12807981, 25325900, 29952103; internal data). ClinVar contains an entry for this variant (Variation ID: 824831). Studies have shown that disruption of this splice site alters mRNA splicing and is expected to lead to the loss of protein expression (PMID: 29952103). For these reasons, this variant has been classified as Pathogenic.

Ambry Genetics
Classification: Likely pathogenic for Cardiovascular phenotype; Hereditary cancer-predisposing syndrome. Last evaluated: 2018-02-02. Review status: criteria provided, single submitter. Criteria: Ambry Variant Classification Scheme 2023. Collection method: clinical testing. Allele origin: germline.
Comment: The c.4367+1G>T intronic variant results from a G to T substitution one nucleotide after coding exon 32 of the NF1 gene. This nucleotide position is highly conserved in available vertebrate species. Using the BDGP and ESEfinder splice site prediction tools, this alteration is predicted to abolish the native splice donor site; however, direct evidence is unavailable. Alterations that disrupt the canonical splice site are expected to cause aberrant splicing, resulting in an abnormal protein or a transcript that is subject to nonsense-mediated mRNA decay. As such, this alteration is classified as likely pathogenic.

Literature cited by the submitters: PubMed 16199547 (cited by Labcorp Genetics (formerly Invitae), Labcorp); PubMed 10712197 (cited by Labcorp Genetics (formerly Invitae), Labcorp); PubMed 23913538 (cited by Labcorp Genetics (formerly Invitae), Labcorp); PubMed 12807981 (cited by Labcorp Genetics (formerly Invitae), Labcorp); PubMed 25325900 (cited by Labcorp Genetics (formerly Invitae), Labcorp); PubMed 29952103 (cited by Labcorp Genetics (formerly Invitae), Labcorp).

NM_001042492.3(NF1):c.4430+1G>T

Gene: NF1 (neurofibromin 1; plus strand). Cytogenetic location: 17q11.2.
Variant type: single nucleotide variant.
Coding change: c.4430+1G>T on transcript NM_001042492.3 (MANE Select); the canonical splice donor site of the intron after coding-DNA position 4430, G replaced by T.
Molecular consequence: splice donor variant.
Genome position (GRCh38, 1-based): chr17:31,259,130, G>T. VCF-style: chr17-31259130-G-T. GRCh37 (hg19) VCF-style: chr17-29586148-G-T.
Other names: c.4367+1G>T (NM_000267.4).
Identifiers: ClinVar variation 824831 (VCV000824831.9), dbSNP rs773151680, ClinGen allele CA398999016.